The following is an entry in ClinVar:

NM_001994.3(F13B):c.91G>T (p.Glu31Ter)

Gene: F13B (coagulation factor XIII B chain; minus strand). Cytogenetic location: 1q31.3.
Variant type: single nucleotide variant.
Coding change: c.91G>T on transcript NM_001994.3 (MANE Select); coding-DNA position 91, G replaced by T.
Protein change: p.Glu31Ter; replaces glutamic acid 31 with a stop codon.
Molecular consequence: nonsense.
Genome position (GRCh38, 1-based): chr1:197,063,031, C>A on the plus strand (G>T on the coding strand, the complement: F13B is on the minus strand). VCF-style: chr1-197063031-C-A. GRCh37 (hg19) VCF-style: chr1-197032161-C-A.
Other names: short protein forms E31*.
Identifiers: ClinVar variation 3256928 (VCV003256928.1).

ClinVar aggregate classification (germline): Likely pathogenic (1 of 4 stars; one submission).

Conditions:
Susceptibility to severe COVID-19.

Submission:

Molecular Medicine Center, Medical University of Sofia
Classification: Likely pathogenic for Susceptibility to severe COVID-19. Last evaluated: 2024-07-22. Review status: criteria provided, single submitter. Criteria: ACMG Guidelines, 2015. Collection method: research. Allele origin: germline. Affected: yes.
Comment: Novel (unreported in gnomAD or dbSNP until April 2024) variant found in severely infected COVID-19 Bulgarian patients in a research study. Variant is classified as likely pathogenic according to the ACMG criteria: PM2,PVS1.